The following is an entry in ClinVar:

ClinVar aggregate classification (germline): Uncertain significance. Review status: criteria provided, multiple submitters, no conflicts (2 of 4 stars). 4 submissions from 3 submitters: Uncertain significance (4). Last evaluated 2025-07-28.

Conditions:
Spinocerebellar ataxia 42, early-onset, severe, with neurodevelopmental deficits. Identifiers: MedGen C4748120, MONDO:0060758, OMIM 618087.
Inborn genetic diseases. Identifiers: MedGen C0950123, MeSH D030342.
Spinocerebellar ataxia type 42. Identifiers: Orphanet 458803, MedGen C4225205, MONDO:0014776, OMIM 616795.

Allele frequency attached by ClinVar (database versions not stated): gnomAD 0.00003 and 0.00004; TOPMed 0.00003; gnomAD exomes 0.00005 and 0.00001.

Submissions (4):

Labcorp Genetics (formerly Invitae), Labcorp
Classification: Uncertain significance. Last evaluated: 2025-07-28. Review status: criteria provided, single submitter. Criteria: Invitae Variant Classification Sherloc (09022015). Collection method: clinical testing. Allele origin: germline.
Comment: This sequence change replaces proline, which is neutral and non-polar, with leucine, which is neutral and non-polar, at codon 1093 of the CACNA1G protein (p.Pro1093Leu). This variant is present in population databases (no rsID available, gnomAD 0.005%). This variant has not been reported in the literature in individuals affected with CACNA1G-related conditions. ClinVar contains an entry for this variant (Variation ID: 638515). Invitae Evidence Modeling of protein sequence and biophysical properties (such as structural, functional, and spatial information, amino acid conservation, physicochemical variation, residue mobility, and thermodynamic stability) has been performed for this missense variant. However, the output from this modeling did not meet the statistical confidence thresholds required to predict the impact of this variant on CACNA1G protein function. In summary, the available evidence is currently insufficient to determine the role of this variant in disease. Therefore, it has been classified as a Variant of Uncertain Significance.

Ambry Genetics
Classification: Uncertain significance for Inborn genetic diseases. Last evaluated: 2022-09-06. Review status: criteria provided, single submitter. Criteria: Ambry Variant Classification Scheme 2023. Collection method: clinical testing. Allele origin: germline.

Genomic Research Center, Shahid Beheshti University of Medical Sciences
Classification: Uncertain significance for Spinocerebellar ataxia 42, early-onset, severe, with neurodevelopmental deficits. Last evaluated: 2019-04-27. Review status: criteria provided, single submitter. Criteria: ACMG Guidelines, 2015. Collection method: clinical testing. Allele origin: unknown. Affected: yes.

Genomic Research Center, Shahid Beheshti University of Medical Sciences
Classification: Uncertain significance for Spinocerebellar ataxia 42. Last evaluated: 2019-04-27. Review status: criteria provided, single submitter. Criteria: ACMG Guidelines, 2015. Collection method: clinical testing. Allele origin: unknown. Affected: yes.

NM_018896.5(CACNA1G):c.3278C>T (p.Pro1093Leu)

Gene: CACNA1G (calcium voltage-gated channel subunit alpha1 G; plus strand). Cytogenetic location: 17q21.33.
Variant type: single nucleotide variant.
Coding change: c.3278C>T on transcript NM_018896.5 (MANE Select); coding-DNA position 3278, C replaced by T.
Protein change: p.Pro1093Leu; replaces proline 1093 with leucine.
Molecular consequence: missense variant. On other transcripts: non-coding transcript variant (5).
Genome position (GRCh38, 1-based): chr17:50,599,447, C>T. VCF-style: chr17-50599447-C-T. GRCh37 (hg19) VCF-style: chr17-48676808-C-T.
Other names: c.3278C>T, p.Pro1093Leu (NM_001256324.2, NM_001256325.2, NM_001256326.2 and 16 more transcripts); c.3209C>T, p.Pro1070Leu (NM_001256332.2, NM_198376.3, NM_198379.3 and 5 more transcripts); c.3278C>T (NM_018896.3); short protein forms P1093L, P1070L.
Identifiers: ClinVar variation 638515 (VCV000638515.8), dbSNP rs1422686570, ClinGen allele CA400252853.